The following is an entry in ClinVar:

ClinVar aggregate classification (germline): Uncertain significance (1 of 4 stars; one submission).

Conditions:
Left ventricular noncompaction 8 (LVNC8). Identifiers: Orphanet 154, Orphanet 54260, MedGen C3809288, MONDO:0014152, OMIM 615373.

Allele frequency attached by ClinVar (database versions not stated): ExAC 0.00001; gnomAD 0.00001; gnomAD exomes 0.00001; TOPMed 0.00002.
gnomAD v4.1: 11 of 1,609,126 alleles (0.00068%); highest among the groups gnomAD compares: African/African-American, 0.0013%; no homozygotes.

Submission:

Labcorp Genetics (formerly Invitae), Labcorp
Classification: Uncertain significance for Left ventricular noncompaction 8. Last evaluated: 2022-03-08. Review status: criteria provided, single submitter. Criteria: Invitae Variant Classification Sherloc (09022015). Collection method: clinical testing. Allele origin: germline.
Comment: In summary, the available evidence is currently insufficient to determine the role of this variant in disease. Therefore, it has been classified as a Variant of Uncertain Significance. Algorithms developed to predict the effect of missense changes on protein structure and function (SIFT, PolyPhen-2, Align-GVGD) all suggest that this variant is likely to be disruptive. This variant has not been reported in the literature in individuals affected with PRDM16-related conditions. This variant is present in population databases (rs528536647, gnomAD 0.002%). This sequence change replaces glutamic acid, which is acidic and polar, with lysine, which is basic and polar, at codon 680 of the PRDM16 protein (p.Glu680Lys).

NM_022114.4(PRDM16):c.2038G>A (p.Glu680Lys)

Gene: PRDM16 (PR/SET domain 16; plus strand). Cytogenetic location: 1p36.32.
Variant type: single nucleotide variant.
Coding change: c.2038G>A on transcript NM_022114.4 (MANE Select); coding-DNA position 2038, G replaced by A.
Protein change: p.Glu680Lys; replaces glutamic acid 680 with lysine.
Molecular consequence: missense variant.
Genome position (GRCh38, 1-based): chr1:3,412,235, G>A. VCF-style: chr1-3412235-G-A. GRCh37 (hg19) VCF-style: chr1-3328799-G-A.
Other names: c.2038G>A, p.Glu680Lys (NM_199454.3); short protein forms E680K.
Identifiers: ClinVar variation 1519155 (VCV001519155.8), dbSNP rs528536647, ClinGen allele CA544367.
Genomic context (GRCh38, chr1:3,412,235, plus strand): 5'-AACAGCGTGGCCGAGGTGCCTGTCTTCTATTCCCAGCACTCATTCTTCCCGCCACCCGAC[G>A]AGCAGCTGCTGACTGCAACGGGCGCCGCCGGGGACTCCATCAAGGCCATCGCATCCATTG-3'
Protein context (NP_071397.3, residues 670-690): SQHSFFPPPD[Glu680Lys]QLLTATGAAG